The following is an entry in ClinVar:

ClinVar aggregate classification (germline): Likely pathogenic. Review status: criteria provided, single submitter (1 of 4 stars). 2 submissions from 2 submitters: Likely pathogenic (1). 1 of the submissions does not count toward it. Last evaluated 2023-02-04.

Conditions:
Autosomal recessive limb-girdle muscular dystrophy type 2A (LGMDR1). Also called: LEYDEN-MOEBIUS MUSCULAR DYSTROPHY; MUSCULAR DYSTROPHY, PELVOFEMORAL; Limb-girdle muscular dystrophy, type 2A; Calpainopathy; Muscular dystrophy, limb-girdle, type 2A, Amish. Identifiers: Orphanet 267, MedGen C1869123, MONDO:0009675, OMIM 253600. Disease mechanism: loss of function.

Submissions (2):

Labcorp Genetics (formerly Invitae), Labcorp
Classification: Likely pathogenic for Autosomal recessive limb-girdle muscular dystrophy type 2A. Last evaluated: 2023-02-04. Review status: criteria provided, single submitter. Criteria: Invitae Variant Classification Sherloc (09022015). Collection method: clinical testing. Allele origin: germline.
Comment: This sequence change affects a donor splice site in intron 16 of the CAPN3 gene. It is expected to disrupt RNA splicing. Variants that disrupt the donor or acceptor splice site typically lead to a loss of protein function (PMID: 16199547), and loss-of-function variants in CAPN3 are known to be pathogenic (PMID: 10330340, 15689361). This variant is not present in population databases (gnomAD no frequency). In summary, the currently available evidence indicates that the variant is pathogenic, but additional data are needed to prove that conclusively. Therefore, this variant has been classified as Likely Pathogenic. This variant has not been reported in the literature in individuals affected with CAPN3-related conditions. Algorithms developed to predict the effect of sequence changes on RNA splicing suggest that this variant may disrupt the consensus splice site. ClinVar contains an entry for this variant (Variation ID: 552636).

Counsyl
Classification: Likely pathogenic for Autosomal recessive limb-girdle muscular dystrophy type 2A. Last evaluated: 2017-06-27. Review status: no assertion criteria provided. Collection method: clinical testing. Allele origin: unknown. Not counted in ClinVar's aggregate classification.

Literature cited by the submitters: PubMed 16199547 (cited by Labcorp Genetics (formerly Invitae), Labcorp); PubMed 10330340 (cited by Labcorp Genetics (formerly Invitae), Labcorp); PubMed 15689361 (cited by Labcorp Genetics (formerly Invitae), Labcorp).

NM_000070.3(CAPN3):c.1914+2T>C

Gene: CAPN3 (calpain 3; plus strand). Cytogenetic location: 15q15.1.
Variant type: single nucleotide variant.
Coding change: c.1914+2T>C on transcript NM_000070.3 (MANE Select); the canonical splice donor site of the intron after coding-DNA position 1914, T replaced by C.
Molecular consequence: splice donor variant. On other transcripts: intron variant (3).
Genome position (GRCh38, 1-based): chr15:42,408,326, T>C. VCF-style: chr15-42408326-T-C. GRCh37 (hg19) VCF-style: chr15-42700524-T-C.
Other names: c.1896+2T>C (NM_024344.2); c.1639-977T>C (NM_173087.2); c.378+2T>C (NM_173088.2); c.-81-977T>C (NM_173090.2, NM_173089.2).
Identifiers: ClinVar variation 552636 (VCV000552636.5), dbSNP rs1555422856, ClinGen allele CA392000915.